The following is an entry in ClinVar:

NM_002617.4(PEX10):c.556G>A (p.Gly186Ser)

Gene: PEX10 (peroxisomal biogenesis factor 10; minus strand). Cytogenetic location: 1p36.32.
Variant type: single nucleotide variant.
Coding change: c.556G>A on transcript NM_002617.4 (MANE Select); coding-DNA position 556, G replaced by A.
Protein change: p.Gly186Ser; replaces glycine 186 with serine.
Molecular consequence: missense variant. On other transcripts: non-coding transcript variant (1).
Genome position (GRCh38, 1-based): chr1:2,408,496, C>T on the plus strand (G>A on the coding strand, the complement: PEX10 is on the minus strand). VCF-style: chr1-2408496-C-T. GRCh37 (hg19) VCF-style: chr1-2339935-C-T.
Other names: c.556G>A, p.Gly186Ser (NM_001374425.1, NM_153818.2); c.124G>A, p.Gly42Ser (NM_001374426.1, NM_001374427.1); short protein forms G42S, G186S.
Identifiers: ClinVar variation 1421437 (VCV001421437.3), dbSNP rs147848221, ClinGen allele CA538136.

ClinVar aggregate classification (germline): Uncertain significance (1 of 4 stars; one submission).

Conditions:
Peroxisome biogenesis disorder, complementation group 7 (CG7). Also called: Peroxisome biogenesis disorder, complementation group B. Identifiers: MedGen C1864399.

Allele frequency attached by ClinVar (database versions not stated): gnomAD 0.00002 and 0.00003; gnomAD exomes 0.00002; ExAC 0.00003; ESP Exome Variant Server 0.00008.

Submission:

Labcorp Genetics (formerly Invitae), Labcorp
Classification: Uncertain significance for Peroxisome biogenesis disorder, complementation group 7. Last evaluated: 2022-10-25. Review status: criteria provided, single submitter. Criteria: Invitae Variant Classification Sherloc (09022015). Collection method: clinical testing. Allele origin: germline.
Comment: This sequence change replaces glycine, which is neutral and non-polar, with serine, which is neutral and polar, at codon 186 of the PEX10 protein (p.Gly186Ser). This variant is present in population databases (rs147848221, gnomAD 0.005%). This variant has not been reported in the literature in individuals affected with PEX10-related conditions. ClinVar contains an entry for this variant (Variation ID: 1421437). Algorithms developed to predict the effect of missense changes on protein structure and function are either unavailable or do not agree on the potential impact of this missense change (SIFT: "Deleterious"; PolyPhen-2: "Probably Damaging"; Align-GVGD: "Class C0"). In summary, the available evidence is currently insufficient to determine the role of this variant in disease. Therefore, it has been classified as a Variant of Uncertain Significance.